The following is an entry in ClinVar:

ClinVar aggregate classification (germline): Uncertain significance. Review status: criteria provided, multiple submitters, no conflicts (2 of 4 stars). 2 submissions from 2 submitters: Uncertain significance (2). Last evaluated 2025-03-04.

Conditions:
Multiple endocrine neoplasia, type 1 (MEN1). Also called: MEN I; WERMER SYNDROME; MEA I; Endocrine adenomatosis multiple; MEN 1. Identifiers: Orphanet 652, MedGen C0025267, MeSH D018761, MONDO:0007540, OMIM 131100.

Submissions (2):

Center for Genomic Medicine, Rigshospitalet, Copenhagen University Hospital
Classification: Uncertain significance. Last evaluated: 2025-03-04. Review status: criteria provided, single submitter. Criteria: ACMG Guidelines, 2015. Collection method: clinical testing. Allele origin: germline.

Labcorp Genetics (formerly Invitae), Labcorp
Classification: Uncertain significance for Multiple endocrine neoplasia, type 1. Last evaluated: 2024-02-13. Review status: criteria provided, single submitter. Criteria: Invitae Variant Classification Sherloc (09022015). Collection method: clinical testing. Allele origin: germline.
Comment: This sequence change replaces glycine, which is neutral and non-polar, with valine, which is neutral and non-polar, at codon 548 of the MEN1 protein (p.Gly548Val). This variant is not present in population databases (gnomAD no frequency). This variant has not been reported in the literature in individuals affected with MEN1-related conditions. ClinVar contains an entry for this variant (Variation ID: 1697365). Advanced modeling of protein sequence and biophysical properties (such as structural, functional, and spatial information, amino acid conservation, physicochemical variation, residue mobility, and thermodynamic stability) performed at Invitae indicates that this missense variant is expected to disrupt MEN1 protein function with a positive predictive value of 95%. In summary, the available evidence is currently insufficient to determine the role of this variant in disease. Therefore, it has been classified as a Variant of Uncertain Significance.

NM_001370259.2(MEN1):c.1643G>T (p.Gly548Val)

Gene: MEN1 (menin 1; minus strand). Cytogenetic location: 11q13.1.
Variant type: single nucleotide variant.
Coding change: c.1643G>T on transcript NM_001370259.2 (MANE Select); coding-DNA position 1643, G replaced by T.
Protein change: p.Gly548Val; replaces glycine 548 with valine.
Molecular consequence: missense variant.
Genome position (GRCh38, 1-based): chr11:64,804,524, C>A on the plus strand (G>T on the coding strand, the complement: MEN1 is on the minus strand). VCF-style: chr11-64804524-C-A. GRCh37 (hg19) VCF-style: chr11-64571996-C-A.
Other names: c.1658G>T, p.Gly553Val (NM_000244.4, NM_130800.3, NM_130801.3 and 3 more transcripts); c.1769G>T, p.Gly590Val (NM_001370251.2); c.1643G>T, p.Gly548Val (NM_001370260.2, NM_001370261.2, NM_130799.3); c.1538G>T, p.Gly513Val (NM_001370262.2, NM_001370263.2); short protein forms G513V, G548V, G553V, G590V.
Identifiers: ClinVar variation 1697365 (VCV001697365.9), dbSNP rs2136081852, ClinGen allele CA381177915.